The following is an entry in ClinVar:

NM_007113.4(TCHH):c.1619G>C (p.Arg540Pro)

Gene: TCHH (trichohyalin; minus strand). Cytogenetic location: 1q21.3.
Variant type: single nucleotide variant.
Coding change: c.1619G>C on transcript NM_007113.4 (MANE Select); coding-DNA position 1619, G replaced by C.
Protein change: p.Arg540Pro; replaces arginine 540 with proline.
Molecular consequence: missense variant.
Genome position (GRCh38, 1-based): chr1:152,111,598, C>G on the plus strand (G>C on the coding strand, the complement: TCHH is on the minus strand). VCF-style: chr1-152111598-C-G. GRCh37 (hg19) VCF-style: chr1-152084074-C-G.
Other names: short protein forms R540P.
Identifiers: ClinVar variation 2639192 (VCV002639192.24), dbSNP rs2526704164, ClinGen allele CA342009537.

ClinVar aggregate classification (germline): Uncertain significance (1 of 4 stars; one submission).

Allele frequency attached by ClinVar (database versions not stated): gnomAD exomes below 0.00001.
gnomAD v4.1: 1 of 1,568,084 alleles (0.000064%); highest among the groups gnomAD compares: Non-Finnish European, 0.000086%; no homozygotes.

Submission:

CeGaT Center for Human Genetics Tuebingen
Classification: Uncertain significance. Last evaluated: 2023-10-01. Review status: criteria provided, single submitter. Criteria: CeGaT Center For Human Genetics Tuebingen Variant Classification Criteria Version 2. Collection method: clinical testing. Allele origin: germline. Affected: yes. Observed: 1 variant allele.
Comment: TCHH: PM2, BP4